The following is an entry in ClinVar:

NM_058216.3(RAD51C):c.615_616del (p.His207fs)

Genes: RAD51C (RAD51 paralog C; plus strand), LOC129390903 (MPRA-validated peak2919 silencer; plus strand). Cytogenetic location: 17q22.
Variant type: Deletion.
Coding change: c.615_616del on transcript NM_058216.3 (MANE Select); coding-DNA positions 615 to 616, 2 bases deleted (TT; older notation c.615_616delTT).
Protein change: p.His207fs; shifts the reading frame from histidine 207.
Molecular consequence: frameshift variant. On other transcripts: non-coding transcript variant (1).
Genome position (GRCh38, 1-based): chr17:58,703,239-58,703,240, TT deleted; deleting any 2 consecutive bases within chr17:58,703,238-58,703,240 gives the same sequence; the c. name uses the placement nearest the transcript's 3' end. VCF-style (leftmost placement, unchanged base first): chr17-58703237-CTT-C. GRCh37 (hg19) VCF-style: chr17-56780598-CTT-C.
Other names: c.*43_*44delTT (NM_058217.1); short protein forms H207fs.
Identifiers: ClinVar variation 1751885 (VCV001751885.3), dbSNP rs2509299426, ClinGen allele CA2580094320.
Genomic context (GRCh38, chr17:58,703,237, plus strand): 5'-GAGTGTTTTGTTGTTTCAGAACACCGAAAAGCTTTGGAGGATTTCACTCTTGATAATATT[CTT>C]TCTCATATTTATTATTTTCGCTGTCGTGACTACACAGAGTTACTGGCACAAGTTTATCTT-3'

ClinVar aggregate classification (germline): Pathogenic. Review status: criteria provided, multiple submitters, no conflicts (2 of 4 stars). 2 submissions from 2 submitters: Pathogenic (2). Last evaluated 2025-06-22.

Conditions:
Hereditary cancer-predisposing syndrome. Also called: Neoplastic Syndromes, Hereditary; Tumor predisposition; Hereditary neoplastic syndrome; Hereditary Cancer Syndrome. Identifiers: Orphanet 140162, MedGen C0027672, MeSH D009386, MONDO:0015356.
Fanconi anemia complementation group O. Also called: RAD51C-Related Fanconi Anemia. Identifiers: Orphanet 84, MedGen C3150653, MONDO:0013248, OMIM 613390.

Submissions (2):

Labcorp Genetics (formerly Invitae), Labcorp
Classification: Pathogenic for Fanconi anemia complementation group O. Last evaluated: 2025-06-22. Review status: criteria provided, single submitter. Criteria: Invitae Variant Classification Sherloc (09022015). Collection method: clinical testing. Allele origin: germline.
Comment: This sequence change creates a premature translational stop signal (p.His207Tyrfs*8) in the RAD51C gene. It is expected to result in an absent or disrupted protein product. Loss-of-function variants in RAD51C are known to be pathogenic (PMID: 20400964, 21990120, 24800917, 29278735). This variant is not present in population databases (gnomAD no frequency). This variant has not been reported in the literature in individuals affected with RAD51C-related conditions. ClinVar contains an entry for this variant (Variation ID: 1751885). For these reasons, this variant has been classified as Pathogenic.

Ambry Genetics
Classification: Pathogenic for Hereditary cancer-predisposing syndrome. Last evaluated: 2023-11-29. Review status: criteria provided, single submitter. Criteria: Ambry Variant Classification Scheme 2023. Collection method: clinical testing. Allele origin: germline.
Comment: The c.615_616delTT pathogenic mutation, located in coding exon 4 of the RAD51C gene, results from a deletion of two nucleotides at nucleotide positions 615 to 616, causing a translational frameshift with a predicted alternate stop codon (p.H207Yfs*8). This variant is considered to be rare based on population cohorts in the Genome Aggregation Database (gnomAD). This alteration is expected to result in loss of function by premature protein truncation or nonsense-mediated mRNA decay. As such, this alteration is interpreted as a disease-causing mutation.

Literature cited by the submitters: PubMed 20400964 (cited by Labcorp Genetics (formerly Invitae), Labcorp); PubMed 21990120 (cited by Labcorp Genetics (formerly Invitae), Labcorp); PubMed 24800917 (cited by Labcorp Genetics (formerly Invitae), Labcorp); PubMed 29278735 (cited by Labcorp Genetics (formerly Invitae), Labcorp).